The following is an entry in ClinVar:

ClinVar aggregate classification (germline): Uncertain significance (1 of 4 stars; one submission).

Submission:

Labcorp Genetics (formerly Invitae), Labcorp
Classification: Uncertain significance. Last evaluated: 2019-11-29. Review status: criteria provided, single submitter. Criteria: Invitae Variant Classification Sherloc (09022015). Collection method: clinical testing. Allele origin: germline.
Comment: This sequence change replaces proline with arginine at codon 127 of the METTL5 protein (p.Pro127Arg). The proline residue is highly conserved and there is a moderate physicochemical difference between proline and arginine. This variant is not present in population databases (ExAC no frequency). This variant has been observed in individual(s) with METTL5-related intellectual disability (Invitae). It has also been observed to segregate with disease in related individuals. Algorithms developed to predict the effect of missense changes on protein structure and function are either unavailable or do not agree on the potential impact of this missense change (SIFT: "Deleterious"; PolyPhen-2: "Probably Damaging"; Align-GVGD: "Class C0"). In summary, the available evidence is currently insufficient to determine the role of this variant in disease. Therefore, it has been classified as a Variant of Uncertain Significance.

NM_014168.4(METTL5):c.380C>G (p.Pro127Arg)

Gene: METTL5 (methyltransferase 5, N6-adenosine; minus strand). Cytogenetic location: 2q31.1.
Variant type: single nucleotide variant.
Coding change: c.380C>G on transcript NM_014168.4 (MANE Select); coding-DNA position 380, C replaced by G.
Protein change: p.Pro127Arg; replaces proline 127 with arginine.
Molecular consequence: missense variant.
Genome position (GRCh38, 1-based): chr2:169,821,118, G>C on the plus strand (C>G on the coding strand, the complement: METTL5 is on the minus strand). VCF-style: chr2-169821118-G-C. GRCh37 (hg19) VCF-style: chr2-170677628-G-C.
Other names: c.380C>G, p.Pro127Arg (NM_001293186.2, NM_001293187.2); short protein forms P127R.
Identifiers: ClinVar variation 861902 (VCV000861902.9), dbSNP rs2081577529, ClinGen allele CA348897309.
Genomic context (GRCh38, chr2:169,821,118, plus strand): 5'-AAATATACCAATATACCCGATTCTTGTTACAAACCTTTATTATTTTTGGTCCCAAAGGGA[G>C]GATTCATAATTACTGTATCGAATGACTTGGACATTCTGTTAGATAATAAGCACACATCAC-3'
Protein context (NP_054887.2, residues 117-137): SKSFDTVIMN[Pro127Arg]PFGTKNNKGT